The following is an entry in ClinVar:

ClinVar aggregate classification (germline): Pathogenic (1 of 4 stars; one submission).

Conditions:
Osteogenesis imperfecta type I (OI1). Also called: Lobstein's Disease; Lobstein disease; OI, TYPE I; OSTEOGENESIS IMPERFECTA TARDA; OSTEOGENESIS IMPERFECTA WITH BLUE SCLERAE; Osteogenesis imperfecta type 1. Identifiers: Orphanet 216796, Orphanet 666, MedGen C0023931, MONDO:0008146, OMIM 166200. Disease mechanism: loss of function.

Submission:

Labcorp Genetics (formerly Invitae), Labcorp
Classification: Pathogenic for Osteogenesis imperfecta type I. Last evaluated: 2023-05-29. Review status: criteria provided, single submitter. Criteria: Invitae Variant Classification Sherloc (09022015). Collection method: clinical testing. Allele origin: germline.
Comment: This variant is not present in population databases (gnomAD no frequency). For these reasons, this variant has been classified as Pathogenic. This variant has not been reported in the literature in individuals affected with COL1A1-related conditions. This sequence change creates a premature translational stop signal (p.Leu480Cysfs*61) in the COL1A1 gene. It is expected to result in an absent or disrupted protein product. Loss-of-function variants in COL1A1 are known to be pathogenic (PMID: 7942841, 9295084, 9443882).

Literature cited by the submitters: PubMed 7942841; PubMed 9295084; PubMed 9443882.

NM_000088.4(COL1A1):c.1438del (p.Leu480fs)

Gene: COL1A1 (collagen type I alpha 1 chain; minus strand). Cytogenetic location: 17q21.33.
Variant type: Deletion.
Coding change: c.1438del on transcript NM_000088.4 (MANE Select); coding-DNA position 1438, one base deleted (C; older notation c.1438delC).
Protein change: p.Leu480fs; shifts the reading frame from leucine 480.
Molecular consequence: frameshift variant.
Genome position (GRCh38, 1-based): chr17:50,194,744, G deleted on the plus strand (C on the coding strand, the reverse complement: COL1A1 is on the minus strand); the first of 2 consecutive G bases (chr17:50,194,744-50,194,745); deleting either gives the same sequence. VCF-style (leftmost placement, unchanged base first): chr17-50194743-AG-A. GRCh37 (hg19) VCF-style: chr17-48272104-AG-A.
Other names: short protein forms L480fs.
Identifiers: ClinVar variation 2748687 (VCV002748687.3), dbSNP rs2509222036, ClinGen allele CA2697560409.
Genomic context (GRCh38, chr17:50,194,743, plus strand): 5'-TGAGGGTGGAGCGGGAGGGGGCGGGCAGGGACACTTACACGCTCGCCAGGGGGTCCGGGC[AG>A]GCCAGTGGGTCCGGGTTCACCTCGAGCTCCTCGCTTTCCTTCCTCTCCAGCAGGGCCAGG-3'